The following is an entry in ClinVar:

NM_033198.4(PIGS):c.864A>G (p.Ser288=)

Gene: PIGS (phosphatidylinositol glycan anchor biosynthesis class S; minus strand). Cytogenetic location: 17q11.2.
Variant type: single nucleotide variant.
Coding change: c.864A>G on transcript NM_033198.4 (MANE Select); coding-DNA position 864, A replaced by G.
Protein change: p.Ser288=; no amino-acid change (serine 288 retained).
Molecular consequence: synonymous variant.
Genome position (GRCh38, 1-based): chr17:28,558,546, T>C on the plus strand (A>G on the coding strand, the complement: PIGS is on the minus strand). VCF-style: chr17-28558546-T-C. GRCh37 (hg19) VCF-style: chr17-26885564-T-C.
Identifiers: ClinVar variation 1694838 (VCV001694838.31), dbSNP rs1243873134, ClinGen allele CA499081037.
Genomic context (GRCh38, chr17:28,558,546, plus strand): 5'-CTCCACTGGGTTGATGACATGGGGGAGGCTGTGCATGTCCAAATAGTAGCTGGAGGAAGC[T>C]GAGTCAAAGCGGGGATTCACCCCCAACATTGCATAGTAAAGAATCTGTAGAGCAAACAGG-3'
Protein context (NP_149975.1, residues 278-298): AMLGVNPRFD[Ser288=]ASSSYYLDMH

ClinVar aggregate classification (germline): Likely benign (1 of 4 stars; one submission).

Allele frequency attached by ClinVar (database versions not stated): gnomAD exomes below 0.00001; gnomAD 0.00001.
gnomAD v4.1: 7 of 1,613,034 alleles (0.00043%); highest among the groups gnomAD compares: Middle Eastern, 0.016%; no homozygotes.

Submission:

CeGaT Center for Human Genetics Tuebingen
Classification: Likely benign. Last evaluated: 2022-05-01. Review status: criteria provided, single submitter. Criteria: CeGaT Center For Human Genetics Tuebingen Variant Classification Criteria Version 2. Collection method: clinical testing. Allele origin: germline. Affected: yes. Observed: 1 variant allele.
Comment: PIGS: BP4, BP7